The following is an entry in ClinVar:

ClinVar aggregate classification (germline): Likely benign. Review status: criteria provided, multiple submitters, no conflicts (2 of 4 stars). 3 submissions from 3 submitters: Likely benign (3). Last evaluated 2025-07-14.

Conditions:
Familial cold autoinflammatory syndrome 2 (FCAS2). Identifiers: Orphanet 247868, MedGen C2673198, MONDO:0012724, OMIM 611762.

Allele frequency attached by ClinVar (database versions not stated): gnomAD exomes 0.00001 and 0.00002; ExAC 0.00002; TOPMed 0.00009; gnomAD 0.00011; ESP Exome Variant Server 0.00015.
gnomAD v4.1: 29 of 1,613,990 alleles (0.0018%); highest among the groups gnomAD compares: African/African-American, 0.029%; no homozygotes.

Submissions (3):

Labcorp Genetics (formerly Invitae), Labcorp
Classification: Likely benign for Familial cold autoinflammatory syndrome 2. Last evaluated: 2025-07-14. Review status: criteria provided, single submitter. Criteria: Invitae Variant Classification Sherloc (09022015). Collection method: clinical testing. Allele origin: germline.

CeGaT Center for Human Genetics Tuebingen
Classification: Likely benign. Last evaluated: 2024-07-01. Review status: criteria provided, single submitter. Criteria: CeGaT Center For Human Genetics Tuebingen Variant Classification Criteria Version 2. Collection method: clinical testing. Allele origin: germline. Affected: yes. Observed: 1 variant allele.
Comment: NLRP12: BP4, BP7

Blueprint Genetics
Classification: Likely benign. Last evaluated: 2022-07-14. Review status: criteria provided, single submitter. Criteria: ACMG Guidelines, 2015. Collection method: clinical testing. Allele origin: germline.

NM_144687.4(NLRP12):c.1662C>T (p.Ser554=)

Gene: NLRP12 (NLR family pyrin domain containing 12; minus strand). Cytogenetic location: 19q13.42.
Variant type: single nucleotide variant.
Coding change: c.1662C>T on transcript NM_144687.4 (MANE Select); coding-DNA position 1662, C replaced by T.
Protein change: p.Ser554=; no amino-acid change (serine 554 retained).
Molecular consequence: synonymous variant.
Genome position (GRCh38, 1-based): chr19:53,809,997, G>A on the plus strand (C>T on the coding strand, the complement: NLRP12 is on the minus strand). VCF-style: chr19-53809997-G-A. GRCh37 (hg19) VCF-style: chr19-54313251-G-A.
Other names: c.1662C>T, p.Ser554= (NM_001277126.2, NM_001277129.1).
Identifiers: ClinVar variation 1650065 (VCV001650065.26), dbSNP rs147716122, ClinGen allele CA9639380.